The following is an entry in ClinVar:

NM_000093.5(COL5A1):c.4954+17del

Genes: COL5A1 (collagen type V alpha 1 chain; plus strand), LOC101448202 (uncharacterized LOC101448202; minus strand). Cytogenetic location: 9q34.3.
Variant type: Deletion.
Coding change: c.4954+17del on transcript NM_000093.5 (MANE Select); 17 bases into the intron after coding-DNA position 4954, one base deleted (G; older notation c.4954+17delG).
Molecular consequence: intron variant.
Genome position (GRCh38, 1-based): chr9:134,824,872, G deleted; the last of 7 consecutive G bases (chr9:134,824,866-134,824,872); deleting any one gives the same sequence. VCF-style (leftmost placement, unchanged base first): chr9-134824865-TG-T. GRCh37 (hg19) VCF-style: chr9-137716711-TG-T.
Other names: c.4954+17del (NM_001278074.1); c.4954+17delG (NM_000093.5).
Identifiers: ClinVar variation 2082001 (VCV002082001.6), dbSNP rs757067716, ClinGen allele CA5320512.

ClinVar aggregate classification (germline): Likely benign. Review status: criteria provided, multiple submitters, no conflicts (2 of 4 stars). 2 submissions from 2 submitters: Likely benign (2). Last evaluated 2025-10-23.

Conditions:
Ehlers-Danlos syndrome, classic type, 1 (EDSCL1). Also called: EHLERS-DANLOS SYNDROME, GRAVIS TYPE; EHLERS-DANLOS SYNDROME, SEVERE CLASSIC TYPE; Ehlers-Danlos syndrome, type 1; EDS I; Ehlers-Danlos Syndrome, Classic Type, COL5A1-Related. Identifiers: MedGen C0268335, MONDO:0019567, OMIM 130000.

Submissions (2):

Labcorp Genetics (formerly Invitae), Labcorp
Classification: Likely benign for Ehlers-Danlos syndrome, classic type, 1. Last evaluated: 2025-10-23. Review status: criteria provided, single submitter. Criteria: Invitae Variant Classification Sherloc (09022015). Collection method: clinical testing. Allele origin: germline.

Women's Health and Genetics/Laboratory Corporation of America, LabCorp
Classification: Likely benign. Last evaluated: 2025-04-28. Review status: criteria provided, single submitter. Criteria: LabCorp Variant Classification Summary - May 2015. Collection method: clinical testing. Allele origin: germline.
Comment: Variant summary: COL5A1 c.4954+17delG alters a nucleotide located at a position not widely known to affect splicing. Consensus agreement among computation tools predict no significant impact on normal splicing. However, these predictions have yet to be confirmed by functional studies. The frequency data for this variant in gnomAD is considered unreliable, as metrics indicate poor data quality at this position. To our knowledge, no occurrence of c.4954+17delG in individuals affected with Ehlers-Danlos syndrome, classic type, Ehlers-Danlos syndrome, classic type, 1 and no experimental evidence demonstrating its impact on protein function have been reported. ClinVar contains an entry for this variant (Variation ID: 2082001). Based on the evidence outlined above, the variant was classified as likely benign.